The following is an entry in ClinVar:

ClinVar aggregate classification (germline): Uncertain significance (1 of 4 stars; one submission).

Conditions:
Combined immunodeficiency due to DOCK8 deficiency (HIES2). Also called: HIES autosomal recessive; DOCK8 Deficiency; Hyper-IgE recurrent infection syndrome, autosomal recessive; HYPER-IgE SYNDROME 2, AUTOSOMAL RECESSIVE, WITH RECURRENT INFECTIONS; HYPER-IgE RECURRENT INFECTION SYNDROME 2, AUTOSOMAL RECESSIVE. Identifiers: Orphanet 217390, MedGen C4722305, MONDO:0009478, OMIM 243700.

Submission:

Labcorp Genetics (formerly Invitae), Labcorp
Classification: Uncertain significance for Combined immunodeficiency due to DOCK8 deficiency. Last evaluated: 2021-11-27. Review status: criteria provided, single submitter. Criteria: Invitae Variant Classification Sherloc (09022015). Collection method: clinical testing. Allele origin: germline.
Comment: This sequence change replaces isoleucine, which is neutral and non-polar, with serine, which is neutral and polar, at codon 809 of the DOCK8 protein (p.Ile809Ser). In summary, the available evidence is currently insufficient to determine the role of this variant in disease. Therefore, it has been classified as a Variant of Uncertain Significance. Algorithms developed to predict the effect of missense changes on protein structure and function are either unavailable or do not agree on the potential impact of this missense change (SIFT: "Deleterious"; PolyPhen-2: "Benign"; Align-GVGD: "Class C0"). This variant has not been reported in the literature in individuals affected with DOCK8-related conditions. This variant is not present in population databases (gnomAD no frequency).

NM_203447.4(DOCK8):c.2426T>G (p.Ile809Ser)

Gene: DOCK8 (dedicator of cytokinesis 8; plus strand). Cytogenetic location: 9p24.3.
Variant type: single nucleotide variant.
Coding change: c.2426T>G on transcript NM_203447.4 (MANE Select); coding-DNA position 2426, T replaced by G.
Protein change: p.Ile809Ser; replaces isoleucine 809 with serine.
Molecular consequence: missense variant.
Genome position (GRCh38, 1-based): chr9:377,197, T>G. VCF-style: chr9-377197-T-G. GRCh37 (hg19) VCF-style: chr9-377197-T-G.
Other names: c.2222T>G, p.Ile741Ser (NM_001190458.2, NM_001193536.2); short protein forms I809S, I741S.
Identifiers: ClinVar variation 1496158 (VCV001496158.6), dbSNP rs2131264035, ClinGen allele CA372763627.
Genomic context (GRCh38, chr9:377,197, plus strand): 5'-TGCTCTTCCTGCACCTGGTGCTGGACAAGCTCTTCCAGCTGTCCGTGCAGCCCATGGTCA[T>G]CGCTGGCCAGACAGGTATGAACCTGCAGGGCTGGGCTGGGAGGAGGCAGGAGCAAGCAAG-3'
Protein context (NP_982272.2, residues 799-819): LFQLSVQPMV[Ile809Ser]AGQTANFSQF